The following is an entry in ClinVar:

NM_001605.3(AARS1):c.1310A>G (p.Asp437Gly)

Gene: AARS1 (alanyl-tRNA synthetase 1; minus strand). Cytogenetic location: 16q22.1.
Variant type: single nucleotide variant.
Coding change: c.1310A>G on transcript NM_001605.3 (MANE Select); coding-DNA position 1310, A replaced by G.
Protein change: p.Asp437Gly; replaces aspartic acid 437 with glycine.
Molecular consequence: missense variant.
Genome position (GRCh38, 1-based): chr16:70,265,575, T>C on the plus strand (A>G on the coding strand, the complement: AARS1 is on the minus strand). VCF-style: chr16-70265575-T-C. GRCh37 (hg19) VCF-style: chr16-70299478-T-C.
Other names: short protein forms D437G.
Identifiers: ClinVar variation 2728508 (VCV002728508.3), dbSNP rs2507009548, ClinGen allele CA396561935.

ClinVar aggregate classification (germline): Uncertain significance (1 of 4 stars; one submission).

Conditions:
Charcot-Marie-Tooth disease type 2. Also called: Charcot-Marie-Tooth type 2. Identifiers: Orphanet 64746, MedGen C0270914, MONDO:0018993.

Submission:

Labcorp Genetics (formerly Invitae), Labcorp
Classification: Uncertain significance for Charcot-Marie-Tooth disease type 2. Last evaluated: 2023-11-27. Review status: criteria provided, single submitter. Criteria: Invitae Variant Classification Sherloc (09022015). Collection method: clinical testing. Allele origin: germline.
Comment: This sequence change replaces aspartic acid, which is acidic and polar, with glycine, which is neutral and non-polar, at codon 437 of the AARS protein (p.Asp437Gly). This variant is not present in population databases (gnomAD no frequency). This variant has not been reported in the literature in individuals affected with AARS-related conditions. Advanced modeling of protein sequence and biophysical properties (such as structural, functional, and spatial information, amino acid conservation, physicochemical variation, residue mobility, and thermodynamic stability) has been performed at Invitae for this missense variant, however the output from this modeling did not meet the statistical confidence thresholds required to predict the impact of this variant on AARS protein function. In summary, the available evidence is currently insufficient to determine the role of this variant in disease. Therefore, it has been classified as a Variant of Uncertain Significance.